The following is an entry in ClinVar:

NM_001211.6(BUB1B):c.2248A>G (p.Met750Val)

Gene: BUB1B (BUB1 mitotic checkpoint serine/threonine kinase B; plus strand). Cytogenetic location: 15q15.1.
Variant type: single nucleotide variant.
Coding change: c.2248A>G on transcript NM_001211.6 (MANE Select); coding-DNA position 2248, A replaced by G.
Protein change: p.Met750Val; replaces methionine 750 with valine.
Molecular consequence: missense variant.
Genome position (GRCh38, 1-based): chr15:40,209,739, A>G. VCF-style: chr15-40209739-A-G. GRCh37 (hg19) VCF-style: chr15-40501940-A-G.
Other names: short protein forms M750V.
Identifiers: ClinVar variation 3483143 (VCV003483143.1).
Genomic context (GRCh38, chr15:40,209,739, plus strand): 5'-CTACTGAAGTCCCTACCAGAGTTAAGTGCCTCTGCAGAGTTGTGTATAGAAGACAGACCA[A>G]TGCCTAAGTTGGAAATTGAGAAGGAAATTGAATTAGGTAAGTACCATTGAACTCATGTCC-3'
Protein context (NP_001202.5, residues 740-760): SAELCIEDRP[Met750Val]PKLEIEKEIE

ClinVar aggregate classification (germline): Uncertain significance (1 of 4 stars; one submission).

Conditions:
Inborn genetic diseases. Identifiers: MedGen C0950123, MeSH D030342.

Submission:

Ambry Genetics
Classification: Uncertain significance for Inborn genetic diseases. Last evaluated: 2024-09-06. Review status: criteria provided, single submitter. Criteria: Ambry Variant Classification Scheme 2023. Collection method: clinical testing. Allele origin: germline.
Comment: The p.M750V variant (also known as c.2248A>G), located in coding exon 17 of the BUB1B gene, results from an A to G substitution at nucleotide position 2248. The methionine at codon 750 is replaced by valine, an amino acid with highly similar properties. This amino acid position is conserved. In addition, this alteration is predicted to be tolerated by in silico analysis. Based on the available evidence, the clinical significance of this variant remains unclear.